The following is an entry in ClinVar:

NM_031433.4(MFRP):c.121G>C (p.Glu41Gln)

Genes: C1QTNF5 (C1q and TNF related 5; minus strand), MFRP (membrane frizzled-related protein; minus strand). Cytogenetic location: 11q23.3.
Variant type: single nucleotide variant.
Coding change: c.121G>C on transcript NM_031433.4 (MANE Select); coding-DNA position 121, G replaced by C.
Protein change: p.Glu41Gln; replaces glutamic acid 41 with glutamine.
Molecular consequence: missense variant. On other transcripts: 5 prime UTR variant (1).
Genome position (GRCh38, 1-based): chr11:119,346,308, C>G on the plus strand (G>C on the coding strand, the complement: MFRP is on the minus strand). VCF-style: chr11-119346308-C-G. GRCh37 (hg19) VCF-style: chr11-119217018-C-G.
Other names: c.-2516G>C (NM_015645.5); short protein forms E41Q.
Identifiers: ClinVar variation 1391079 (VCV001391079.7), dbSNP rs370328104, ClinGen allele CA6320703.

ClinVar aggregate classification (germline): Uncertain significance (1 of 4 stars; one submission).

Conditions:
Isolated microphthalmia 5. Also called: Posterior Microphthalmia with Retinitis Pigmentosa, Foveoschisis, and Optic Disc Drusen. Identifiers: Orphanet 251279, MedGen C1970236, MONDO:0012605, OMIM 611040.

Allele frequency attached by ClinVar (database versions not stated): ExAC 0.00001.
gnomAD v4.1: 4 of 1,613,908 alleles (0.00025%); highest among the groups gnomAD compares: Non-Finnish European, 0.00034%; no homozygotes.

Submission:

Labcorp Genetics (formerly Invitae), Labcorp
Classification: Uncertain significance for Isolated microphthalmia 5. Last evaluated: 2022-08-16. Review status: criteria provided, single submitter. Criteria: Invitae Variant Classification Sherloc (09022015). Collection method: clinical testing. Allele origin: germline.
Comment: Algorithms developed to predict the effect of sequence changes on RNA splicing suggest that this variant may disrupt the consensus splice site. This sequence change replaces glutamic acid, which is acidic and polar, with glutamine, which is neutral and polar, at codon 41 of the MFRP protein (p.Glu41Gln). This variant is present in population databases (rs370328104, gnomAD 0.0009%). This variant has not been reported in the literature in individuals affected with MFRP-related conditions. ClinVar contains an entry for this variant (Variation ID: 1391079). Algorithms developed to predict the effect of missense changes on protein structure and function output the following: SIFT: "Tolerated"; PolyPhen-2: "Benign"; Align-GVGD: "Class C0". The glutamine amino acid residue is found in multiple mammalian species, which suggests that this missense change does not adversely affect protein function. In summary, the available evidence is currently insufficient to determine the role of this variant in disease. Therefore, it has been classified as a Variant of Uncertain Significance.